The following is an entry in ClinVar:

NM_001235.5(SERPINH1):c.1201C>G (p.Leu401Val)

Gene: SERPINH1 (serpin family H member 1; plus strand). Cytogenetic location: 11q13.5.
Variant type: single nucleotide variant.
Coding change: c.1201C>G on transcript NM_001235.5 (MANE Select); coding-DNA position 1201, C replaced by G.
Protein change: p.Leu401Val; replaces leucine 401 with valine.
Molecular consequence: missense variant.
Genome position (GRCh38, 1-based): chr11:75,572,027, C>G. VCF-style: chr11-75572027-C-G. GRCh37 (hg19) VCF-style: chr11-75283072-C-G.
Other names: c.1201C>G, p.Leu401Val (NM_001207014.3); short protein forms L401V.
Identifiers: ClinVar variation 1472283 (VCV001472283.8), dbSNP rs547644799, ClinGen allele CA224662307.

ClinVar aggregate classification (germline): Uncertain significance (1 of 4 stars; one submission).

Allele frequency attached by ClinVar (database versions not stated): gnomAD exomes below 0.00001; gnomAD 0.00001; 1000 Genomes Project 30x 0.00016; 1000 Genomes Project 0.00020.
gnomAD v4.1: 1 of 1,614,202 alleles (0.000062%); highest among the groups gnomAD compares: East Asian, 0.0022%; no homozygotes.

Submission:

Labcorp Genetics (formerly Invitae), Labcorp
Classification: Uncertain significance. Last evaluated: 2021-06-08. Review status: criteria provided, single submitter. Criteria: Invitae Variant Classification Sherloc (09022015). Collection method: clinical testing. Allele origin: germline.
Comment: This sequence change replaces leucine with valine at codon 401 of the SERPINH1 protein (p.Leu401Val). The leucine residue is highly conserved and there is a small physicochemical difference between leucine and valine. This variant is not present in population databases (ExAC no frequency). This variant has not been reported in the literature in individuals with SERPINH1-related conditions. Advanced modeling of protein sequence and biophysical properties (such as structural, functional, and spatial information, amino acid conservation, physicochemical variation, residue mobility, and thermodynamic stability) performed at Invitae indicates that this missense variant is not expected to disrupt SERPINH1 protein function. Algorithms developed to predict the effect of sequence changes on RNA splicing suggest that this variant may create or strengthen a splice site, but this prediction has not been confirmed by published transcriptional studies. In summary, the available evidence is currently insufficient to determine the role of this variant in disease. Therefore, it has been classified as a Variant of Uncertain Significance.